The following is an entry in ClinVar:

ClinVar aggregate classification (germline): Pathogenic (1 of 4 stars; one submission).

Conditions:
Early-infantile DEE. Also called: Early infantile epileptic encephalopathy; Early infantile epileptic encephalopathy with suppression bursts; Ohtahara syndrome. Identifiers: Orphanet 1934, MedGen C0393706, MONDO:0800491.

Submission:

Labcorp Genetics (formerly Invitae), Labcorp
Classification: Pathogenic for Early-infantile DEE. Last evaluated: 2023-12-11. Review status: criteria provided, single submitter. Criteria: Invitae Variant Classification Sherloc (09022015). Collection method: clinical testing. Allele origin: germline.
Comment: This sequence change creates a premature translational stop signal (p.Gln1830Valfs*6) in the SCN1A gene. While this is not anticipated to result in nonsense mediated decay, it is expected to disrupt the last 180 amino acid(s) of the SCN1A protein. This variant is not present in population databases (gnomAD no frequency). This premature translational stop signal has been observed in individual(s) with Dravet syndrome (PMID: 23808377). In at least one individual the variant was observed to be de novo. ClinVar contains an entry for this variant (Variation ID: 860283). Algorithms developed to predict the effect of sequence changes on RNA splicing suggest that this variant may create or strengthen a splice site. This variant disrupts a region of the SCN1A protein in which other variant(s) (p.Arg1892*) have been determined to be pathogenic (PMID: 11940708, 17054684, 19563349). This suggests that this is a clinically significant region of the protein, and that variants that disrupt it are likely to be disease-causing. For these reasons, this variant has been classified as Pathogenic.

Literature cited by the submitters: PubMed 23808377; PubMed 11940708; PubMed 17054684; PubMed 19563349.

NM_001165963.4(SCN1A):c.5488_5489del (p.Gln1830fs)

Genes: SCN1A (sodium voltage-gated channel alpha subunit 1; minus strand), LOC102724058 (uncharacterized LOC102724058; plus strand). Cytogenetic location: 2q24.3.
Variant type: Deletion.
Coding change: c.5488_5489del on transcript NM_001165963.4 (MANE Select); coding-DNA positions 5488 to 5489, 2 bases deleted (CA; older notation c.5488_5489delCA).
Protein change: p.Gln1830fs; shifts the reading frame from glutamine 1830.
Molecular consequence: frameshift variant. On other transcripts: non-coding transcript variant (1).
Genome position (GRCh38, 1-based): chr2:165,991,786-165,991,787, TG deleted on the plus strand (CA on the coding strand, the reverse complement: SCN1A is on the minus strand). VCF-style (leftmost placement, unchanged base first): chr2-165991785-CTG-C. GRCh37 (hg19) VCF-style: chr2-166848295-CTG-C.
Other names: c.5404_5405del, p.Gln1802fs (NM_001165964.3, NM_001353957.2, NM_001353958.2); c.5488_5489del, p.Gln1830fs (NM_001202435.3, NM_001353948.2); c.5455_5456del, p.Gln1819fs (NM_001353949.2, NM_001353950.2, NM_001353951.2 and 2 more transcripts); c.5452_5453del, p.Gln1818fs (NM_001353954.2, NM_001353955.2); c.5401_5402del, p.Gln1801fs (NM_001353960.2); c.3046_3047del, p.Gln1016fs (NM_001353961.2); short protein forms Q1801fs, Q1802fs, Q1819fs, Q1830fs, Q1016fs, Q1818fs.
Identifiers: ClinVar variation 860283 (VCV000860283.10), dbSNP rs1689200375, ClinGen allele CA658761411.